The following is an entry in ClinVar:

ClinVar aggregate classification (germline): Uncertain significance. Review status: criteria provided, multiple submitters, no conflicts (2 of 4 stars). 3 submissions from 3 submitters: Uncertain significance (3). Last evaluated 2024-06-25.

Conditions:
Epidermolysis bullosa, junctional 7, with interstitial lung disease and nephrotic syndrome. Also called: Interstitial lung disease, nephrotic syndrome, and epidermolysis bullosa, congenital; Interstitial Lung Disease with Nephrotic Syndrome and Epidermolysis Bullosa. Identifiers: Orphanet 306504, MedGen C4518785, MONDO:0013881, OMIM 614748.
Inborn genetic diseases. Identifiers: MedGen C0950123, MeSH D030342.
Bronchopulmonary dysplasia of newborn. Also called: Bronchopulmonary dysplasia. Identifiers: Orphanet 70589, MedGen C0495402, MONDO:0019091.
Anemia. Also called: Anemia (disease). Identifiers: MedGen C0002871, MONDO:0002280, HP:0001903.
Penoscrotal transposition. Also called: Congenital transposition of the penis; Penoscrotal transposition (disease). Identifiers: Orphanet 2842, MedGen C1868854, MONDO:0017285, HP:0100600.
Eczematoid dermatitis. Also called: Eczema; Eczematous rash. Identifiers: MedGen C0013595, HP:0000964.
Phimosis. Identifiers: MedGen C0345326, MONDO:0006904, HP:0001741.
Gastroesophageal reflux. Identifiers: MedGen C4317146, HP:0002020.
Respiratory failure. Identifiers: MedGen C1145670, MONDO:0021113, HP:0002878.
Feeding difficulties. Also called: Poor feeding. Identifiers: MedGen C0232466, HP:0011968.

Allele frequency attached by ClinVar (database versions not stated): ExAC 0.00004; TOPMed 0.00004; gnomAD 0.00006; gnomAD exomes below 0.00001 and 0.00004.
gnomAD v4.1: 33 of 1,611,936 alleles (0.002%); highest among the groups gnomAD compares: East Asian, 0.02%; no homozygotes.

Submissions (3):

Fulgent Genetics
Classification: Uncertain significance for Epidermolysis bullosa, junctional 7, with interstitial lung disease and nephrotic syndrome. Last evaluated: 2024-06-25. Review status: criteria provided, single submitter. Criteria: ACMG Guidelines, 2015. Collection method: clinical testing. Allele origin: germline.

Ambry Genetics
Classification: Uncertain significance for Inborn genetic diseases. Last evaluated: 2022-02-02. Review status: criteria provided, single submitter. Criteria: Ambry Variant Classification Scheme 2023. Collection method: clinical testing. Allele origin: germline.

Seattle Children's Hospital Molecular Genetics Laboratory, Seattle Children's Hospital
Classification: Uncertain significance for Bronchopulmonary dysplasia of newborn; Gastroesophageal reflux; Anemia; Respiratory failure; Eczematoid dermatitis; Phimosis; Feeding difficulties; Penoscrotal transposition. Review status: criteria provided, single submitter. Criteria: ACMG Guidelines, 2015. Collection method: clinical testing. Allele origin: unknown. Affected: yes. Observed: 1 heterozygote.
Comment: The p.Arg589Pro variant replaces the arginine with proline at position 589 of the protein. This variant has been observed at low frequencies in the general population (10 of 249,526 alleles; no homozygotes; gnomAD v2.1.1). The p.Arg589Pro variant has not been associated with disease and is currently absent from gene-specific databases (ClinVar and HGMD). Most in silico tools predict this is a benign change. There are 8 benign predictions from DEOGEN2, EIGEN, FATHMM-MKL, MVP, MutationAssessor, PrimateAI, REVEL and SIFT versus 3 pathogenic predictions from DANN, M-CAP and MutationTaster.

NM_002204.4(ITGA3):c.1766G>C (p.Arg589Pro)

Gene: ITGA3 (integrin subunit alpha 3; plus strand). Cytogenetic location: 17q21.33.
Variant type: single nucleotide variant.
Coding change: c.1766G>C on transcript NM_002204.4 (MANE Select); coding-DNA position 1766, G replaced by C.
Protein change: p.Arg589Pro; replaces arginine 589 with proline.
Molecular consequence: missense variant.
Genome position (GRCh38, 1-based): chr17:50,076,417, G>C. VCF-style: chr17-50076417-G-C. GRCh37 (hg19) VCF-style: chr17-48153781-G-C.
Other names: NM_005501.2:c.1766G>C; short protein forms R589P.
Identifiers: ClinVar variation 1339481 (VCV001339481.4), dbSNP rs377230398, ClinGen allele CA8641670.